The following is an entry in ClinVar:

ClinVar aggregate classification (germline): Pathogenic (1 of 4 stars; one submission).

Conditions:
Methylcobalamin deficiency type cblG (HMAG). Also called: HOMOCYSTINURIA-MEGALOBLASTIC ANEMIA, cblG COMPLEMENTATION TYPE; Functional methionine synthase deficiency type cblG; HOMOCYSTINURIA-MEGALOBLASTIC ANEMIA DUE TO DEFECT IN COBALAMIN METABOLISM, cblG COMPLEMENTATION TYPE; HOMOCYSTINURIA-MEGALOBLASTIC ANEMIA, cblG TYPE. Identifiers: Orphanet 2170, Orphanet 622, MedGen C1855128, MONDO:0009609, OMIM 250940.

Allele frequency attached by ClinVar (database versions not stated): gnomAD exomes below 0.00001; TOPMed below 0.00001.

Submission:

Labcorp Genetics (formerly Invitae), Labcorp
Classification: Pathogenic for Methylcobalamin deficiency type cblG. Last evaluated: 2023-09-19. Review status: criteria provided, single submitter. Criteria: Invitae Variant Classification Sherloc (09022015). Collection method: clinical testing. Allele origin: germline.
Comment: For these reasons, this variant has been classified as Pathogenic. This variant has not been reported in the literature in individuals affected with MTR-related conditions. This variant is not present in population databases (gnomAD no frequency). This sequence change creates a premature translational stop signal (p.Gln505Argfs*20) in the MTR gene. It is expected to result in an absent or disrupted protein product. Loss-of-function variants in MTR are known to be pathogenic (PMID: 9683607, 12068375).

Literature cited by the submitters: PubMed 9683607; PubMed 12068375.

NM_000254.3(MTR):c.1512del (p.Gln505fs)

Gene: MTR (5-methyltetrahydrofolate-homocysteine methyltransferase; plus strand). Cytogenetic location: 1q43.
Variant type: Deletion.
Coding change: c.1512del on transcript NM_000254.3 (MANE Select); coding-DNA position 1512, one base deleted (A; older notation c.1512delA).
Protein change: p.Gln505fs; shifts the reading frame from glutamine 505.
Molecular consequence: frameshift variant.
Genome position (GRCh38, 1-based): chr1:236,838,596, A deleted. VCF-style (leftmost placement, unchanged base first): chr1-236838595-GA-G. GRCh37 (hg19) VCF-style: chr1-237001895-GA-G.
Other names: c.1512del, p.Gln505fs (NM_001291939.1, NM_001410942.1); c.291del, p.Gln98fs (NM_001291940.2); short protein forms Q505fs, Q98fs.
Identifiers: ClinVar variation 2761905 (VCV002761905.3), dbSNP rs1663042244, ClinGen allele CA2487084506.
Genomic context (GRCh38, chr1:236,838,595, plus strand): 5'-AGGCCAGGAAGATTAAAAAGTATGGAGCTGCTATGGTGGTCATGGCTTTTGATGAAGAAG[GA>G]CAGGTGAGTGGTTTCTTTTGGCCTAATCCATTGTGTTTCCCAGGTTAGATAGTGGTGGGA-3'